The following is an entry in ClinVar:

NM_006179.5(NTF4):c.327C>T (p.Thr109=)

Gene: NTF4 (neurotrophin 4; minus strand). Cytogenetic location: 19q13.33.
Variant type: single nucleotide variant.
Coding change: c.327C>T on transcript NM_006179.5 (MANE Select); coding-DNA position 327, C replaced by T.
Protein change: p.Thr109=; no amino-acid change (threonine 109 retained).
Molecular consequence: synonymous variant.
Genome position (GRCh38, 1-based): chr19:49,061,671, G>A on the plus strand (C>T on the coding strand, the complement: NTF4 is on the minus strand). VCF-style: chr19-49061671-G-A. GRCh37 (hg19) VCF-style: chr19-49564928-G-A.
Other names: c.327C>T, p.Thr109= (NM_001395489.1).
Identifiers: ClinVar variation 4534495 (VCV004534495.6).
Genomic context (GRCh38, chr19:49,061,671, plus strand): 5'-GCCGCCAGCTGCAGGCACCTCGCCCAACACCTCCACCTCGCGCCCACGCAAGTCCACAGC[G>A]GTCCGGCGGTCTGTCACCCAGCCACTGACTGCATCGCACACAGCCAGCTCACCCCGACGA-3'
Protein context (NP_006170.1, residues 99-119): AVSGWVTDRR[Thr109=]AVDLRGREVE

ClinVar aggregate classification (germline): Likely benign (1 of 4 stars; one submission).

gnomAD v4.1: 33 of 1,613,208 alleles (0.002%); highest among the groups gnomAD compares: African/African-American, 0.011%; no homozygotes.

Submission:

CeGaT Center for Human Genetics Tuebingen
Classification: Likely benign. Last evaluated: 2025-10-01. Review status: criteria provided, single submitter. Criteria: CeGaT Center For Human Genetics Tuebingen Variant Classification Criteria Version 2. Collection method: clinical testing. Allele origin: germline. Affected: yes. Observed: 1 variant allele.
Comment: NTF4: BP4, BP7